The following is an entry in ClinVar:

ClinVar aggregate classification (germline): Likely benign. Review status: criteria provided, multiple submitters, no conflicts (2 of 4 stars). 2 submissions from 2 submitters: Likely benign (2). Last evaluated 2024-10-28.

Allele frequency attached by ClinVar (database versions not stated): ExAC 0.00007; gnomAD 0.00008.
gnomAD v4.1: 174 of 1,599,298 alleles (0.011%); highest among the groups gnomAD compares: Middle Eastern, 0.33%; no homozygotes.

Submissions (2):

Ambry Genetics
Classification: Likely benign. Last evaluated: 2024-10-28. Review status: criteria provided, single submitter. Criteria: Ambry Variant Classification Scheme 2023. Collection method: clinical testing. Allele origin: germline.

CeGaT Center for Human Genetics Tuebingen
Classification: Likely benign. Last evaluated: 2022-12-01. Review status: criteria provided, single submitter. Criteria: CeGaT Center For Human Genetics Tuebingen Variant Classification Criteria Version 2. Collection method: clinical testing. Allele origin: germline. Affected: yes. Observed: 1 variant allele.
Comment: AHNAK2: BP4

NM_138420.4(AHNAK2):c.9742A>G (p.Ile3248Val)

Gene: AHNAK2 (AHNAK nucleoprotein 2; minus strand). Cytogenetic location: 14q32.33.
Variant type: single nucleotide variant.
Coding change: c.9742A>G on transcript NM_138420.4 (MANE Select); coding-DNA position 9742, A replaced by G.
Protein change: p.Ile3248Val; replaces isoleucine 3248 with valine.
Molecular consequence: missense variant.
Genome position (GRCh38, 1-based): chr14:104,945,709, T>C on the plus strand (A>G on the coding strand, the complement: AHNAK2 is on the minus strand). VCF-style: chr14-104945709-T-C. GRCh37 (hg19) VCF-style: chr14-105412046-T-C.
Other names: c.9742A>G (NM_138420.2); c.9442A>G, p.Ile3148Val (NM_001350929.2); short protein forms I3148V, I3248V.
Identifiers: ClinVar variation 2644684 (VCV002644684.25), dbSNP rs112299271, ClinGen allele CA7379494.